The following is an entry in ClinVar:

NM_015978.3(TNNI3K):c.2432-3C>T

Genes: FPGT-TNNI3K (FPGT-TNNI3K readthrough; plus strand), TNNI3K (TNNI3 interacting kinase; plus strand). Cytogenetic location: 1p31.1.
Variant type: single nucleotide variant.
Coding change: c.2432-3C>T on transcript NM_015978.3 (MANE Select); 3 bases into the intron before coding-DNA position 2432, C replaced by T.
Molecular consequence: intron variant.
Genome position (GRCh38, 1-based): chr1:74,543,903, C>T. VCF-style: chr1-74543903-C-T. GRCh37 (hg19) VCF-style: chr1-75009587-C-T.
Other names: c.2735-3C>T (NM_001112808.3).
Identifiers: ClinVar variation 2864763 (VCV002864763.3), dbSNP rs1646757525, ClinGen allele CA2739272631.

ClinVar aggregate classification (germline): Uncertain significance (1 of 4 stars; one submission).

Submission:

Labcorp Genetics (formerly Invitae), Labcorp
Classification: Uncertain significance. Last evaluated: 2023-05-16. Review status: criteria provided, single submitter. Criteria: Invitae Variant Classification Sherloc (09022015). Collection method: clinical testing. Allele origin: germline.
Comment: This sequence change falls in intron 24 of the TNNI3K gene. It does not directly change the encoded amino acid sequence of the TNNI3K protein. It affects a nucleotide within the consensus splice site. This variant is not present in population databases (gnomAD no frequency). This variant has not been reported in the literature in individuals affected with TNNI3K-related conditions. Variants that disrupt the consensus splice site are a relatively common cause of aberrant splicing (PMID: 17576681, 9536098). Algorithms developed to predict the effect of sequence changes on RNA splicing suggest that this variant is not likely to affect RNA splicing. In summary, the available evidence is currently insufficient to determine the role of this variant in disease. Therefore, it has been classified as a Variant of Uncertain Significance.

Literature cited by the submitters: PubMed 17576681; PubMed 9536098.